The following is an entry in ClinVar:

ClinVar aggregate classification (germline): Likely benign. Review status: criteria provided, multiple submitters, no conflicts (2 of 4 stars). 3 submissions from 3 submitters: Likely benign (2). 1 of the submissions does not count toward it. Last evaluated 2024-11-11.

Conditions:
DNAH11-related disorder. Also called: DNAH11-related condition.
Primary ciliary dyskinesia. Also called: Ciliary dyskinesia. Identifiers: Orphanet 244, MedGen C0008780, MONDO:0016575, HP:0012265.

Allele frequency attached by ClinVar (database versions not stated): 1000 Genomes Project 30x 0.00031; 1000 Genomes Project 0.00040.
gnomAD v4.1: 73 of 1,608,426 alleles (0.0045%); highest among the groups gnomAD compares: South Asian, 0.034%; 1 homozygote.

Submissions (3):

Labcorp Genetics (formerly Invitae), Labcorp
Classification: Likely benign for Primary ciliary dyskinesia. Last evaluated: 2024-11-11. Review status: criteria provided, single submitter. Criteria: Invitae Variant Classification Sherloc (09022015). Collection method: clinical testing. Allele origin: germline.

Ambry Genetics
Classification: Likely benign for Primary ciliary dyskinesia. Last evaluated: 2019-11-27. Review status: criteria provided, single submitter. Criteria: Ambry Variant Classification Scheme 2023. Collection method: clinical testing. Allele origin: germline.

PreventionGenetics, part of Exact Sciences
Classification: Likely benign for DNAH11-related condition. Last evaluated: 2024-06-06. Review status: no assertion criteria provided. Collection method: clinical testing. Allele origin: germline. Not counted in ClinVar's aggregate classification.
Comment: This variant is classified as likely benign based on ACMG/AMP sequence variant interpretation guidelines (Richards et al. 2015 PMID: 25741868, with internal and published modifications).

NM_001277115.2(DNAH11):c.10242G>A (p.Thr3414=)

Gene: DNAH11 (dynein axonemal heavy chain 11; plus strand). Cytogenetic location: 7p15.3.
Variant type: single nucleotide variant.
Coding change: c.10242G>A on transcript NM_001277115.2 (MANE Select); coding-DNA position 10242, G replaced by A.
Protein change: p.Thr3414=; no amino-acid change (threonine 3414 retained).
Molecular consequence: synonymous variant.
Genome position (GRCh38, 1-based): chr7:21,807,959, G>A. VCF-style: chr7-21807959-G-A. GRCh37 (hg19) VCF-style: chr7-21847577-G-A.
Other names: c.10263G>A, p.Thr3421= (NM_003777.3).
Identifiers: ClinVar variation 1768217 (VCV001768217.6), dbSNP rs559218045, ClinGen allele CA4182291.
Genomic context (GRCh38, chr7:21,807,959, plus strand): 5'-TCAATCCATTAAGTCCTTTGAAGCTCAAGAGAAGACACTCTGTGGAGATGTTCTTCTCAC[G>A]GCGGCATTTGTGTCTTACGTCGGACCCTTCACAAGGCAGTATCGCCAGGAGCTGGTGCAC-3'
Protein context (NP_001264044.1, residues 3404-3424): EKTLCGDVLL[Thr3414=]AAFVSYVGPF